The following is an entry in ClinVar:

NM_001267550.2(TTN):c.50244C>T (p.Thr16748=)

Genes: TTN-AS1 (TTN antisense RNA 1; plus strand), TTN (titin; minus strand). Cytogenetic location: 2q31.2.
Variant type: single nucleotide variant.
Coding change: c.50244C>T on transcript NM_001267550.2 (MANE Select); coding-DNA position 50244, C replaced by T.
Protein change: p.Thr16748=; no amino-acid change (threonine 16748 retained).
Molecular consequence: synonymous variant.
Genome position (GRCh38, 1-based): chr2:178,612,281, G>A on the plus strand (C>T on the coding strand, the complement: TTN is on the minus strand). VCF-style: chr2-178612281-G-A. GRCh37 (hg19) VCF-style: chr2-179477008-G-A.
Other names: c.42540C>T, p.Thr14180= (NM_133378.4); c.45321C>T, p.Thr15107= (NM_001256850.1); c.23049C>T, p.Thr7683= (NM_003319.4); c.23424C>T, p.Thr7808= (NM_133432.3); c.23625C>T, p.Thr7875= (NM_133437.4).
Identifiers: ClinVar variation 228105 (VCV000228105.20), dbSNP rs778337707, ClinGen allele CA1994427.

ClinVar aggregate classification (germline): Likely benign. Review status: criteria provided, multiple submitters, no conflicts (2 of 4 stars). 5 submissions from 5 submitters: Likely benign (5). Last evaluated 2025-09-07.

Conditions:
Cardiomyopathy (CMYO). Also called: Cardiomyopathies. Identifiers: Orphanet 167848, MedGen C0878544, MONDO:0004994, HP:0001638. Inheritance: Various modes of inheritance.
Cardiovascular phenotype. Identifiers: MedGen CN230736.
Autosomal recessive limb-girdle muscular dystrophy type 2J (LGMDR10). Also called: Limb-girdle muscular dystrophy, type 2J; MUSCULAR DYSTROPHY, LIMB-GIRDLE, AUTOSOMAL RECESSIVE 10. Identifiers: Orphanet 140922, MedGen C1837342, MONDO:0012127, OMIM 608807.
Dilated cardiomyopathy 1G (CMD1G). Identifiers: Orphanet 154, MedGen C1858763, MONDO:0011400, OMIM 604145.

Allele frequency attached by ClinVar (database versions not stated): gnomAD 0.00001; gnomAD exomes 0.00002 and 0.00005; TOPMed 0.00002; ExAC 0.00003.
gnomAD v4.1: 74 of 1,611,932 alleles (0.0046%); highest among the groups gnomAD compares: Non-Finnish European, 0.0063%; no homozygotes.

Submissions (5):

Labcorp Genetics (formerly Invitae), Labcorp
Classification: Likely benign for Dilated cardiomyopathy 1G; Autosomal recessive limb-girdle muscular dystrophy type 2J. Last evaluated: 2025-09-07. Review status: criteria provided, single submitter. Criteria: Invitae Variant Classification Sherloc (09022015). Collection method: clinical testing. Allele origin: germline.

Blueprint Genetics
Classification: Likely benign. Last evaluated: 2023-04-05. Review status: criteria provided, single submitter. Criteria: ACMG Guidelines, 2015. Collection method: clinical testing. Allele origin: germline.

Ambry Genetics
Classification: Likely benign for Cardiovascular phenotype. Last evaluated: 2021-12-03. Review status: criteria provided, single submitter. Criteria: Ambry Variant Classification Scheme 2023. Collection method: clinical testing. Allele origin: germline.

CHEO Genetics Diagnostic Laboratory, Children's Hospital of Eastern Ontario
Classification: Likely benign for Cardiomyopathy. Last evaluated: 2020-09-04. Review status: criteria provided, single submitter. Criteria: ACMG Guidelines, 2015. Collection method: clinical testing. Allele origin: germline.

Laboratory for Molecular Medicine, Mass General Brigham Personalized Medicine
Classification: Likely benign. Last evaluated: 2015-01-26. Review status: criteria provided, single submitter. Criteria: LMM Criteria. Collection method: clinical testing. Allele origin: germline. Observed: 1 variant allele.
Comment: p.Thr14180Thr in exon 215 of TTN: This variant is not expected to have clinical significance because it does not alter an amino acid residue and is not located within the splice consensus sequence. It has been identified in 4/66842 of Europ ean American chromosomes by the Exome Aggregation Consortium (ExAC.).